The following is an entry in ClinVar:

NM_001040108.2(MLH3):c.2692G>A (p.Glu898Lys)

Gene: MLH3 (mutL homolog 3; minus strand). Cytogenetic location: 14q24.3.
Variant type: single nucleotide variant.
Coding change: c.2692G>A on transcript NM_001040108.2 (MANE Select); coding-DNA position 2692, G replaced by A.
Protein change: p.Glu898Lys; replaces glutamic acid 898 with lysine.
Molecular consequence: missense variant.
Genome position (GRCh38, 1-based): chr14:75,046,964, C>T on the plus strand (G>A on the coding strand, the complement: MLH3 is on the minus strand). VCF-style: chr14-75046964-C-T. GRCh37 (hg19) VCF-style: chr14-75513667-C-T.
Other names: c.2692G>A, p.Glu898Lys (NM_014381.3); short protein forms E898K.
Identifiers: ClinVar variation 5024654 (VCV005024654.1).

ClinVar aggregate classification (germline): Uncertain significance (1 of 4 stars; one submission).

gnomAD v4.1: 2 of 1,567,980 alleles (0.00013%); highest among the groups gnomAD compares: Non-Finnish European, 0.00017%; no homozygotes.

Submission:

Ambry Genetics
Classification: Uncertain significance. Last evaluated: 2026-09-13. Review status: criteria provided, single submitter. Criteria: Ambry Variant Classification Scheme 2023. Collection method: clinical testing. Allele origin: germline.
Comment: The p.E898K variant (also known as c.2692G>A), located in coding exon 1 of the MLH3 gene, results from a G to A substitution at nucleotide position 2692. The glutamic acid at codon 898 is replaced by lysine, an amino acid with similar properties. This amino acid position is conserved. In addition, this alteration is predicted to be tolerated by in silico analysis. Based on the available evidence, the clinical significance of this variant remains unclear.